The following is an entry in ClinVar:

NM_003289.4(TPM2):c.370G>A (p.Glu124Lys)

Gene: TPM2 (tropomyosin 2; minus strand). Cytogenetic location: 9p13.3.
Variant type: single nucleotide variant.
Coding change: c.370G>A on transcript NM_003289.4 (MANE Select); coding-DNA position 370, G replaced by A.
Protein change: p.Glu124Lys; replaces glutamic acid 124 with lysine.
Molecular consequence: missense variant.
Genome position (GRCh38, 1-based): chr9:35,685,651, C>T on the plus strand (G>A on the coding strand, the complement: TPM2 is on the minus strand). VCF-style: chr9-35685651-C-T. GRCh37 (hg19) VCF-style: chr9-35685648-C-T.
Other names: c.370G>A, p.Glu124Lys (NM_001301226.2, NM_001301227.2, NM_213674.1); short protein forms E124K.
Identifiers: ClinVar variation 4280666 (VCV004280666.2).

ClinVar aggregate classification (germline): Uncertain significance. Review status: criteria provided, multiple submitters, no conflicts (2 of 4 stars). 2 submissions from 2 submitters: Uncertain significance (2). Last evaluated 2025-10-21.

Conditions:
Arthrogryposis, distal, type 1A. Also called: ARTHROGRYPOSIS MULTIPLEX CONGENITA, DISTAL, TYPE I. Identifiers: Orphanet 1146, MedGen C6022280, MONDO:0007157, OMIM 108120.
Inborn genetic diseases. Identifiers: MedGen C0950123, MeSH D030342.

gnomAD v4.1: 30 of 1,614,152 alleles (0.0019%); highest among the groups gnomAD compares: South Asian, 0.0033%; no homozygotes.

Submissions (2):

Ambry Genetics
Classification: Uncertain significance for Inborn genetic diseases. Last evaluated: 2025-10-21. Review status: criteria provided, single submitter. Criteria: Ambry Variant Classification Scheme 2023. Collection method: clinical testing. Allele origin: germline.
Comment: The c.370G>A (p.E124K) alteration is located in exon 3 (coding exon 3) of the TPM2 gene. This alteration results from a G to A substitution at nucleotide position 370, causing the glutamic acid (E) at amino acid position 124 to be replaced by a lysine (K). Based on data from gnomAD, the A allele has an overall frequency of 0.001% (2/251204) total alleles studied. The highest observed frequency was 0.003% (1/30616) of South Asian alleles. Based on insufficient or conflicting evidence, the clinical significance of this alteration remains unclear.

Institute of Human Genetics, University of Goettingen
Classification: Uncertain significance for Arthrogryposis, distal, type 1A. Last evaluated: 2023-04-12. Review status: criteria provided, single submitter. Criteria: ACMG Guidelines, 2015. Collection method: clinical testing. Allele origin: germline. Inheritance: Autosomal dominant inheritance. Affected: yes. Observed: 1 heterozygote.
Comment: The identified TPM2 variant is classified as a variant of uncertain significance (VUS). It is absent from gnomAD, ClinVar, and HGMD \[PM2], located within a functional protein domain and affects a highly conserved amino acid [PM1]. The molecular finding is consistent with aspects of the patient’s clinical presentation, and most in silico prediction tools support a deleterious effect \[PP3]. According to ACMG criteria, this variant is classified as VUS (PM1, PM2, PP3).